The following is an entry in ClinVar:

ClinVar aggregate classification (germline): Benign. Review status: criteria provided, multiple submitters, no conflicts (2 of 4 stars). 3 submissions from 3 submitters: Benign (2). 1 of the submissions does not count toward it. Last evaluated 2026-01-12.

Conditions:
MYH7B-related disorder. Also called: MYH7B-related condition.

Allele frequency attached by ClinVar (database versions not stated): gnomAD exomes 0.00462; TOPMed 0.00587; 1000 Genomes Project 30x 0.00968; ESP Exome Variant Server 0.00573; 1000 Genomes Project 0.00958; ExAC 0.00536; gnomAD 0.00813.
gnomAD v4.1: 4,233 of 1,612,978 alleles (0.26%); highest among the groups gnomAD compares: African/African-American, 1.7%; 37 homozygotes.

Submissions (3):

Labcorp Genetics (formerly Invitae), Labcorp
Classification: Benign. Last evaluated: 2026-01-12. Review status: criteria provided, single submitter. Criteria: Invitae Variant Classification Sherloc (09022015). Collection method: clinical testing. Allele origin: germline.

Breakthrough Genomics
Classification: Benign. Review status: criteria provided, single submitter. Criteria: ACMG Guidelines, 2015. Collection method: not provided. Allele origin: germline. Inheritance: Unknown mechanism. Affected: yes.

PreventionGenetics, part of Exact Sciences
Classification: Benign for MYH7B-related condition. Last evaluated: 2024-03-12. Review status: no assertion criteria provided. Collection method: clinical testing. Allele origin: germline. Not counted in ClinVar's aggregate classification.
Comment: This variant is classified as benign based on ACMG/AMP sequence variant interpretation guidelines (Richards et al. 2015 PMID: 25741868, with internal and published modifications).

NM_020884.7(MYH7B):c.5515A>C (p.Lys1839Gln)

Gene: MYH7B (myosin heavy chain 7B; plus strand). Cytogenetic location: 20q11.22.
Variant type: single nucleotide variant.
Coding change: c.5515A>C on transcript NM_020884.7 (MANE Select); coding-DNA position 5515, A replaced by C.
Protein change: p.Lys1839Gln; replaces lysine 1839 with glutamine.
Molecular consequence: missense variant.
Genome position (GRCh38, 1-based): chr20:35,001,284, A>C. VCF-style: chr20-35001284-A-C. GRCh37 (hg19) VCF-style: chr20-33589087-A-C.
Other names: short protein forms K1839Q.
Identifiers: ClinVar variation 717580 (VCV000717580.11), dbSNP rs114205213, ClinGen allele CA9828606.